The following is an entry in ClinVar:

ClinVar aggregate classification (germline): Conflicting classifications of pathogenicity. Review status: criteria provided, conflicting classifications (1 of 4 stars). 2 submissions from 2 submitters: Uncertain significance (1); Likely benign (1). Last evaluated 2024-02-24.

Conditions:
Hereditary cancer-predisposing syndrome. Also called: Hereditary neoplastic syndrome; Tumor predisposition; Neoplastic Syndromes, Hereditary; Hereditary Cancer Syndrome. Identifiers: Orphanet 140162, MedGen C0027672, MeSH D009386, MONDO:0015356.
Microcephaly, normal intelligence and immunodeficiency (NBS). Also called: Immunodeficiency, microcephaly with normal intelligence; Nijmegen breakage syndrome; Ataxia telangiectasia variant V1; SEEMANOVA SYNDROME II; BERLIN BREAKAGE SYNDROME; IMMUNODEFICIENCY, MICROCEPHALY, AND CHROMOSOMAL INSTABILITY. Identifiers: Orphanet 647, MedGen C0398791, MONDO:0009623, OMIM 251260.

Allele frequency attached by ClinVar (database versions not stated): gnomAD exomes below 0.00001.
gnomAD v4.1: 1 of 1,613,204 alleles (0.000062%); highest among the groups gnomAD compares: Non-Finnish European, 0.000085%; no homozygotes.

Submissions (2):

Labcorp Genetics (formerly Invitae), Labcorp
Classification: Uncertain significance for Microcephaly, normal intelligence and immunodeficiency. Last evaluated: 2024-02-24. Review status: criteria provided, single submitter. Criteria: Invitae Variant Classification Sherloc (09022015). Collection method: clinical testing. Allele origin: germline.
Comment: This sequence change replaces alanine, which is neutral and non-polar, with valine, which is neutral and non-polar, at codon 7 of the NBN protein (p.Ala7Val). This variant is not present in population databases (gnomAD no frequency). This variant has not been reported in the literature in individuals affected with NBN-related conditions. ClinVar contains an entry for this variant (Variation ID: 962567). Algorithms developed to predict the effect of missense changes on protein structure and function output the following: SIFT: "Not Available"; PolyPhen-2: "Benign"; Align-GVGD: "Not Available". The valine amino acid residue is found in multiple mammalian species, which suggests that this missense change does not adversely affect protein function. In summary, the available evidence is currently insufficient to determine the role of this variant in disease. Therefore, it has been classified as a Variant of Uncertain Significance.

Ambry Genetics
Classification: Likely benign for Hereditary cancer-predisposing syndrome. Last evaluated: 2022-10-27. Review status: criteria provided, single submitter. Criteria: Ambry Variant Classification Scheme 2023. Collection method: clinical testing. Allele origin: germline.

NM_002485.5(NBN):c.20C>T (p.Ala7Val)

Gene: NBN (nibrin; minus strand). Cytogenetic location: 8q21.3.
Variant type: single nucleotide variant.
Coding change: c.20C>T on transcript NM_002485.5 (MANE Select); coding-DNA position 20, C replaced by T.
Protein change: p.Ala7Val; replaces alanine 7 with valine.
Molecular consequence: missense variant. On other transcripts: 5 prime UTR variant (1).
Genome position (GRCh38, 1-based): chr8:89,984,542, G>A on the plus strand (C>T on the coding strand, the complement: NBN is on the minus strand). VCF-style: chr8-89984542-G-A. GRCh37 (hg19) VCF-style: chr8-90996770-G-A.
Other names: c.-277C>T (NM_001024688.3); short protein forms A7V.
Identifiers: ClinVar variation 962567 (VCV000962567.12), dbSNP rs781057669, ClinGen allele CA181286152.